The following is an entry in ClinVar:

ClinVar aggregate classification (germline): Uncertain significance (1 of 4 stars; one submission).

Conditions:
Adenylosuccinate lyase deficiency (ADSLD). Also called: ADSL DEFICIENCY. Identifiers: Orphanet 46, MedGen C0268126, MONDO:0007068, OMIM 103050.

Submission:

Labcorp Genetics (formerly Invitae), Labcorp
Classification: Uncertain significance for Adenylosuccinate lyase deficiency. Last evaluated: 2025-12-03. Review status: criteria provided, single submitter. Criteria: Invitae Variant Classification Sherloc (09022015). Collection method: clinical testing. Allele origin: germline.
Comment: This variant occurs in a non-coding region of the ADSL gene. It does not change the encoded amino acid sequence of the ADSL protein. The frequency data for this variant in the population databases is considered unreliable, as metrics indicate insufficient coverage at this position in the gnomAD database. This variant has not been reported in the literature in individuals affected with ADSL-related conditions. Experimental studies and prediction algorithms are not available or were not evaluated, and the functional significance of this variant is currently unknown. In summary, the available evidence is currently insufficient to determine the role of this variant in disease. Therefore, it has been classified as a Variant of Uncertain Significance.

NC_000022.11:g.40346165G>T

Gene: ADSL (adenylosuccinate lyase; plus strand). Cytogenetic location: 22q13.1.
Variant type: single nucleotide variant.
Genome position: GRCh38 VCF-style: chr22-40346165-G-T. GRCh37 (hg19) VCF-style: chr22-40742169-G-T.
Identifiers: ClinVar variation 1476420 (VCV001476420.7), dbSNP rs909204, ClinGen allele CA324446656.
Genomic context (GRCh38, chr22:40,346,165, plus strand): 5'-CGAAAGGCAGGCCTTTTTTTTTTTTTTTTTTTTTGCTTTTTGTTTTTTAGAGACGGGAGG[G>T]TCTCCCTGTGTTGCCCAGGCTGGTCTCGATCTGTCGGCCTCAAGCGATCCTCCGGTCTGG-3'